The following is an entry in ClinVar:

ClinVar aggregate classification (germline): Uncertain significance (1 of 4 stars; one submission).

Conditions:
Inborn genetic diseases. Identifiers: MedGen C0950123, MeSH D030342.

Submission:

Ambry Genetics
Classification: Uncertain significance for Inborn genetic diseases. Last evaluated: 2025-03-02. Review status: criteria provided, single submitter. Criteria: Ambry Variant Classification Scheme 2023. Collection method: clinical testing. Allele origin: germline.
Comment: The p.F9S variant (also known as c.26T>C), located in coding exon 1 of the FANCM gene, results from a T to C substitution at nucleotide position 26. The phenylalanine at codon 9 is replaced by serine, an amino acid with highly dissimilar properties. This amino acid position is conserved. In addition, the in silico prediction for this alteration is inconclusive. Based on the available evidence, the clinical significance of this variant remains unclear.

NM_020937.4(FANCM):c.26T>C (p.Phe9Ser)

Gene: FANCM (FA complementation group M; plus strand). Cytogenetic location: 14q21.2.
Variant type: single nucleotide variant.
Coding change: c.26T>C on transcript NM_020937.4 (MANE Select); coding-DNA position 26, T replaced by C.
Protein change: p.Phe9Ser; replaces phenylalanine 9 with serine.
Molecular consequence: missense variant.
Genome position (GRCh38, 1-based): chr14:45,136,057, T>C. VCF-style: chr14-45136057-T-C. GRCh37 (hg19) VCF-style: chr14-45605260-T-C.
Other names: c.26T>C, p.Phe9Ser (NM_001308133.2, NM_001308134.2); short protein forms F9S.
Identifiers: ClinVar variation 3848779 (VCV003848779.1).